The following is an entry in ClinVar:

ClinVar aggregate classification (germline): Uncertain significance (1 of 4 stars; one submission).

Allele frequency attached by ClinVar (database versions not stated): gnomAD exomes below 0.00001; ExAC 0.00001.
gnomAD v4.1: 3 of 1,612,982 alleles (0.00019%); highest among the groups gnomAD compares: Non-Finnish European, 0.00017%; no homozygotes.

Submission:

Labcorp Genetics (formerly Invitae), Labcorp
Classification: Uncertain significance. Last evaluated: 2025-12-03. Review status: criteria provided, single submitter. Criteria: Invitae Variant Classification Sherloc (09022015). Collection method: clinical testing. Allele origin: germline.
Comment: This sequence change falls in intron 2 of the STN1 gene. It does not directly change the encoded amino acid sequence of the STN1 protein. It affects a nucleotide within the consensus splice site. This variant is present in population databases (rs757022591, gnomAD 0.002%). This variant has not been reported in the literature in individuals affected with STN1-related conditions. ClinVar contains an entry for this variant (Variation ID: 1948632). Variants that disrupt the consensus splice site are a relatively common cause of aberrant splicing (PMID: 17576681, 9536098). Algorithms developed to predict the effect of sequence changes on RNA splicing suggest that this variant is not likely to affect RNA splicing. In summary, the available evidence is currently insufficient to determine the role of this variant in disease. Therefore, it has been classified as a Variant of Uncertain Significance.

Literature cited by the submitters: PubMed 17576681; PubMed 9536098.

NM_024928.5(STN1):c.133+3A>G

Gene: STN1 (STN1 subunit of CST complex; minus strand). Cytogenetic location: 10q24.33.
Variant type: single nucleotide variant.
Coding change: c.133+3A>G on transcript NM_024928.5 (MANE Select); 3 bases into the intron after coding-DNA position 133, A replaced by G.
Molecular consequence: intron variant.
Genome position (GRCh38, 1-based): chr10:103,917,459, T>C on the plus strand (A>G on the coding strand, the complement: STN1 is on the minus strand). VCF-style: chr10-103917459-T-C. GRCh37 (hg19) VCF-style: chr10-105677217-T-C.
Identifiers: ClinVar variation 1948632 (VCV001948632.5), dbSNP rs757022591, ClinGen allele CA5676735.